The following is an entry in ClinVar:

NM_001378328.1(CELSR1):c.7955C>A (p.Ser2652Tyr)

Gene: CELSR1 (cadherin EGF LAG seven-pass G-type receptor 1; minus strand). Cytogenetic location: 22q13.31.
Variant type: single nucleotide variant.
Coding change: c.7955C>A on transcript NM_001378328.1 (MANE Select); coding-DNA position 7955, C replaced by A.
Protein change: p.Ser2652Tyr; replaces serine 2652 with tyrosine.
Molecular consequence: missense variant.
Genome position (GRCh38, 1-based): chr22:46,367,853, G>T on the plus strand (C>A on the coding strand, the complement: CELSR1 is on the minus strand). VCF-style: chr22-46367853-G-T. GRCh37 (hg19) VCF-style: chr22-46763750-G-T.
Other names: c.7955C>A, p.Ser2652Tyr (NM_014246.4); short protein forms S2652Y.
Identifiers: ClinVar variation 2653312 (VCV002653312.24), dbSNP rs141654308, ClinGen allele CA10293047.

ClinVar aggregate classification (germline): Benign (1 of 4 stars; one submission).

Allele frequency attached by ClinVar (database versions not stated): gnomAD exomes 0.00032; gnomAD 0.00042; ESP Exome Variant Server 0.00054; TOPMed 0.00055; ExAC 0.00069.
gnomAD v4.1: 574 of 1,609,182 alleles (0.036%); highest among the groups gnomAD compares: Non-Finnish European, 0.0076%; 3 homozygotes.

Submission:

CeGaT Center for Human Genetics Tuebingen
Classification: Benign. Last evaluated: 2025-07-01. Review status: criteria provided, single submitter. Criteria: CeGaT Center For Human Genetics Tuebingen Variant Classification Criteria Version 2. Collection method: clinical testing. Allele origin: germline. Affected: yes. Observed: 2 variant alleles.
Comment: CELSR1: BP4, BS1, BS2